The following is an entry in ClinVar:

ClinVar aggregate classification (germline): Likely benign. Review status: criteria provided, single submitter (1 of 4 stars). 2 submissions from 2 submitters: Likely benign (1). 1 of the submissions does not count toward it. Last evaluated 2024-10-31.

Conditions:
CFAP57-related disorder. Also called: CFAP57-related condition.

Allele frequency attached by ClinVar (database versions not stated): gnomAD exomes 0.00002; ExAC 0.00006; gnomAD 0.00038; 1000 Genomes Project 0.00080; TOPMed 0.00096; 1000 Genomes Project 30x 0.00109.
gnomAD v4.1: 115 of 1,549,370 alleles (0.0074%); highest among the groups gnomAD compares: Admixed American, 0.15%; 1 homozygote.

Submissions (2):

Blueprint Genetics
Classification: Likely benign. Last evaluated: 2024-10-31. Review status: criteria provided, single submitter. Criteria: ACMG Guidelines, 2015. Collection method: clinical testing. Allele origin: germline.

PreventionGenetics, part of Exact Sciences
Classification: Likely benign for CFAP57-related condition. Last evaluated: 2019-05-09. Review status: no assertion criteria provided. Collection method: clinical testing. Allele origin: germline. Not counted in ClinVar's aggregate classification.
Comment: This variant is classified as likely benign based on ACMG/AMP sequence variant interpretation guidelines (Richards et al. 2015 PMID: 25741868, with internal and published modifications).

NM_001378189.1(CFAP57):c.2634T>C (p.Tyr878=)

Genes: CFAP57 (cilia and flagella associated protein 57; plus strand), EBNA1BP2 (EBNA1 binding protein 2; minus strand), LOC105378685 (uncharacterized LOC105378685; minus strand). Cytogenetic location: 1p34.2.
Variant type: single nucleotide variant.
Coding change: c.2634T>C on transcript NM_001378189.1 (MANE Select); coding-DNA position 2634, T replaced by C.
Protein change: p.Tyr878=; no amino-acid change (tyrosine 878 retained).
Molecular consequence: synonymous variant.
Genome position (GRCh38, 1-based): chr1:43,222,925, T>C. VCF-style: chr1-43222925-T-C. GRCh37 (hg19) VCF-style: chr1-43688596-T-C.
Other names: c.2634T>C, p.Tyr878= (NM_001195831.3).
Identifiers: ClinVar variation 3042387 (VCV003042387.3), dbSNP rs184439522, ClinGen allele CA804913.
Genomic context (GRCh38, chr1:43,222,925, plus strand): 5'-GACCAAGAAGCAGATTGAGGAAGATGAAGACCGAGAAATCCAAGATATCAAAACCAAGTA[T>C]GAGAAAAAGCTTCGGGATGAAAAGGAATCAAACCTGCGGCTCAAGGGAGAAACAGGCATC-3'
Protein context (NP_001365118.1, residues 868-888): DREIQDIKTK[Tyr878=]EKKLRDEKES